The following is an entry in ClinVar:

NM_000551.4(VHL):c.341-2A>C

Genes: VHL (von Hippel-Lindau tumor suppressor; plus strand), LOC107303340 (3p25 von Hippel-Lindau tumor suppressor, E3 ubiquitin protein ligase Alu-mediated recombination region; plus strand). Cytogenetic location: 3p25.3.
Variant type: single nucleotide variant.
Coding change: c.341-2A>C on transcript NM_000551.4 (MANE Select); the canonical splice acceptor site of the intron before coding-DNA position 341, A replaced by C.
Molecular consequence: splice acceptor variant. On other transcripts: intron variant (2).
Genome position (GRCh38, 1-based): chr3:10,146,512, A>C. VCF-style: chr3-10146512-A-C. GRCh37 (hg19) VCF-style: chr3-10188196-A-C.
Other names: c.*18-3275A>C (NM_001354723.2); c.341-3275A>C (NM_198156.3).
Identifiers: ClinVar variation 3759078 (VCV003759078.2).
Genomic context (GRCh38, chr3:10,146,512, plus strand): 5'-GTGTGGGCCACCGTGCCCAGCCACCGGTGTGGCTCTTTAACAACCTTTGCTTGTCCCGAT[A>C]GGTCACCTTTGGCTCTTCAGAGATGCAGGGACACACGATGGGCTTCTGGTTAACCAAACT-3'

ClinVar aggregate classification (germline): Pathogenic (1 of 4 stars; one submission).

Conditions:
Chuvash polycythemia. Also called: POLYCYTHEMIA, VHL-DEPENDENT. Identifiers: Orphanet 238557, MedGen C1837915, MONDO:0009892, OMIM 263400.
Von Hippel-Lindau syndrome (VHLS). Also called: von Hippel–Lindau syndrome; VHL syndrome; Von Hippel-Lindau. Identifiers: Orphanet 892, MedGen C0019562, MONDO:0008667, OMIM 193300. Disease mechanism: loss of function.

Submission:

Labcorp Genetics (formerly Invitae), Labcorp
Classification: Pathogenic for Von Hippel-Lindau syndrome; Chuvash polycythemia. Last evaluated: 2024-04-14. Review status: criteria provided, single submitter. Criteria: Invitae Variant Classification Sherloc (09022015). Collection method: clinical testing. Allele origin: germline.
Comment: This sequence change affects an acceptor splice site in intron 1 of the VHL gene. RNA analysis indicates that disruption of this splice site induces altered splicing and may result in an absent or disrupted protein product. This variant is not present in population databases (gnomAD no frequency). Disruption of this splice site has been observed in individuals with von Hippel-Lindau syndrome (PMID: 17024664; Invitae). Studies have shown that disruption of this splice site results in activation of a cryptic splice site and introduces a premature termination codon (Invitae). The resulting mRNA is expected to undergo nonsense-mediated decay. For these reasons, this variant has been classified as Pathogenic.

Literature cited by the submitters: PubMed 17024664.